The following is an entry in ClinVar:

ClinVar aggregate classification (germline): Likely benign (1 of 4 stars; one submission).

Allele frequency attached by ClinVar (database versions not stated): gnomAD 0.00001; gnomAD exomes 0.00002; ExAC 0.00003; TOPMed 0.00003; ESP Exome Variant Server 0.00008.
gnomAD v4.1: 26 of 1,613,630 alleles (0.0016%); highest among the groups gnomAD compares: Non-Finnish European, 0.002%; no homozygotes.

Submission:

CeGaT Center for Human Genetics Tuebingen
Classification: Likely benign. Last evaluated: 2022-12-01. Review status: criteria provided, single submitter. Criteria: CeGaT Center For Human Genetics Tuebingen Variant Classification Criteria Version 2. Collection method: clinical testing. Allele origin: germline. Affected: yes. Observed: 1 variant allele.
Comment: CTNNBL1: BP4, BP7

NM_030877.5(CTNNBL1):c.1365G>A (p.Ala455=)

Gene: CTNNBL1 (catenin beta like 1; plus strand). Cytogenetic location: 20q11.23.
Variant type: single nucleotide variant.
Coding change: c.1365G>A on transcript NM_030877.5 (MANE Select); coding-DNA position 1365, G replaced by A.
Protein change: p.Ala455=; no amino-acid change (alanine 455 retained).
Molecular consequence: synonymous variant.
Genome position (GRCh38, 1-based): chr20:37,842,392, G>A. VCF-style: chr20-37842392-G-A. GRCh37 (hg19) VCF-style: chr20-36470794-G-A.
Other names: c.1284G>A, p.Ala428= (NM_001281495.2).
Identifiers: ClinVar variation 2652307 (VCV002652307.24), dbSNP rs201017515, ClinGen allele CA9848646.